The following is an entry in ClinVar:

ClinVar aggregate classification (germline): Likely benign (0 of 4 stars; one submission).

Conditions:
FMN2-related disorder. Also called: FMN2-related condition.

Allele frequency attached by ClinVar (database versions not stated): gnomAD exomes 0.00001; ExAC 0.00002; gnomAD 0.00018; 1000 Genomes Project 0.00020.
gnomAD v4.1: 53 of 1,535,970 alleles (0.0035%); highest among the groups gnomAD compares: Admixed American, 0.07%; no homozygotes.

Submission:

PreventionGenetics, part of Exact Sciences
Classification: Likely benign for FMN2-related condition. Last evaluated: 2020-11-24. Review status: no assertion criteria provided. Collection method: clinical testing. Allele origin: germline.
Comment: This variant is classified as likely benign based on ACMG/AMP sequence variant interpretation guidelines (Richards et al. 2015 PMID: 25741868, with internal and published modifications).

NM_020066.5(FMN2):c.3552A>T (p.Ile1184=)

Gene: FMN2 (formin 2; plus strand). Cytogenetic location: 1q43.
Variant type: single nucleotide variant.
Coding change: c.3552A>T on transcript NM_020066.5 (MANE Select); coding-DNA position 3552, A replaced by T.
Protein change: p.Ile1184=; no amino-acid change (isoleucine 1184 retained).
Molecular consequence: synonymous variant. On other transcripts: intron variant (1).
Genome position (GRCh38, 1-based): chr1:240,208,364, A>T. VCF-style: chr1-240208364-A-T. GRCh37 (hg19) VCF-style: chr1-240371664-A-T.
Other names: c.3564A>T, p.Ile1188= (NM_001305424.2); c.1986+20102A>T (NM_001348094.2).
Identifiers: ClinVar variation 3048035 (VCV003048035.2), dbSNP rs528484073, ClinGen allele CA1477235.